The following is an entry in ClinVar:

ClinVar aggregate classification (germline): Uncertain significance. Review status: criteria provided, multiple submitters, no conflicts (2 of 4 stars). 3 submissions from 3 submitters: Uncertain significance (3). Last evaluated 2025-04-17.

Conditions:
Malignant hyperthermia, susceptibility to, 1 (MHS1). Also called: Anesthesia related hyperthermia; Malignant hyperpyrexia; Fulminating hyperpyrexia; Pharmacogenic myopathy; Malignant hyperthermia suceptibility 1; RYR1-Related Malignant Hyperthermia Susceptibility. Identifiers: Orphanet 423, MedGen C2930980, MONDO:0007783, OMIM 145600.
RYR1-related disorder. Also called: RYR1-related disorders; RYR1-related condition. Identifiers: MedGen CN239331.

Allele frequency attached by ClinVar (database versions not stated): gnomAD exomes 0.00001; TOPMed 0.00001; ExAC 0.00004.
gnomAD v4.1: 4 of 1,603,222 alleles (0.00025%); highest among the groups gnomAD compares: South Asian, 0.0033%; no homozygotes.

Submissions (3):

Labcorp Genetics (formerly Invitae), Labcorp
Classification: Uncertain significance for RYR1-related disorder. Last evaluated: 2025-04-17. Review status: criteria provided, single submitter. Criteria: Invitae Variant Classification Sherloc (09022015). Collection method: clinical testing. Allele origin: germline.
Comment: This sequence change replaces arginine, which is basic and polar, with glutamine, which is neutral and polar, at codon 3403 of the RYR1 protein (p.Arg3403Gln). This variant is present in population databases (rs777437090, gnomAD 0.006%). This variant has not been reported in the literature in individuals affected with RYR1-related conditions. ClinVar contains an entry for this variant (Variation ID: 1422146). Invitae Evidence Modeling of protein sequence and biophysical properties (such as structural, functional, and spatial information, amino acid conservation, physicochemical variation, residue mobility, and thermodynamic stability) indicates that this missense variant is not expected to disrupt RYR1 protein function with a negative predictive value of 80%. In summary, the available evidence is currently insufficient to determine the role of this variant in disease. Therefore, it has been classified as a Variant of Uncertain Significance.

All of Us Research Program, National Institutes of Health
Classification: Uncertain significance for Malignant hyperthermia, susceptibility to, 1. Last evaluated: 2024-05-30. Review status: criteria provided, single submitter. Criteria: ACMG Guidelines, 2015. Collection method: clinical testing. Allele origin: germline. Inheritance: Autosomal dominant inheritance. Observed: 1 variant allele, 1 heterozygote.
Comment: This missense variant replaces arginine with glutamine at codon 3403 of the RYR1 protein. Computational prediction suggests that this variant may have deleterious impact on protein structure and function. To our knowledge, functional studies have not been reported for this variant. This variant has not been reported in individuals affected with RYR1-related disorders in the literature. This variant has been identified in 3/229722 chromosomes in the general population by the Genome Aggregation Database (gnomAD). The available evidence is insufficient to determine the role of this variant in disease conclusively. Therefore, this variant is classified as a Variant of Uncertain Significance.

This study involves interpretation of variants in research participants for the purpose of population health screening. Participant phenotype was not available at the time of variant classification. Additional details can be found in publication PMID: 35346344, PMCID: PMC8962531

Color Diagnostics, LLC DBA Color Health
Classification: Uncertain significance for Malignant hyperthermia, susceptibility to, 1. Last evaluated: 2024-05-13. Review status: criteria provided, single submitter. Criteria: ACMG Guidelines, 2015. Collection method: clinical testing. Allele origin: germline.
Comment: This missense variant replaces arginine with glutamine at codon 3403 of the RYR1 protein. Computational prediction suggests that this variant may have deleterious impact on protein structure and function. To our knowledge, functional studies have not been reported for this variant. This variant has not been reported in individuals affected with RYR1-related disorders in the literature. This variant has been identified in 3/229722 chromosomes in the general population by the Genome Aggregation Database (gnomAD). The available evidence is insufficient to determine the role of this variant in disease conclusively. Therefore, this variant is classified as a Variant of Uncertain Significance.

NM_000540.3(RYR1):c.10208G>A (p.Arg3403Gln)

Gene: RYR1 (ryanodine receptor 1; plus strand). Cytogenetic location: 19q13.2.
Variant type: single nucleotide variant.
Coding change: c.10208G>A on transcript NM_000540.3 (MANE Select); coding-DNA position 10208, G replaced by A.
Protein change: p.Arg3403Gln; replaces arginine 3403 with glutamine.
Molecular consequence: missense variant.
Genome position (GRCh38, 1-based): chr19:38,519,403, G>A. VCF-style: chr19-38519403-G-A. GRCh37 (hg19) VCF-style: chr19-39010043-G-A.
Other names: c.10208G>A, p.Arg3403Gln (NM_001042723.2); short protein forms R3403Q.
Identifiers: ClinVar variation 1422146 (VCV001422146.7), dbSNP rs777437090, ClinGen allele CA052593.